The following is an entry in ClinVar:

NM_014915.3(ANKRD26):c.85G>A (p.Glu29Lys)

Genes: ANKRD26 (ankyrin repeat domain 26; minus strand), LOC130003554 (ATAC-STARR-seq lymphoblastoid silent region 2243; plus strand). Cytogenetic location: 10p12.1.
Variant type: single nucleotide variant.
Coding change: c.85G>A on transcript NM_014915.3 (MANE Select); coding-DNA position 85, G replaced by A.
Protein change: p.Glu29Lys; replaces glutamic acid 29 with lysine.
Molecular consequence: missense variant.
Genome position (GRCh38, 1-based): chr10:27,100,242, C>T on the plus strand (G>A on the coding strand, the complement: ANKRD26 is on the minus strand). VCF-style: chr10-27100242-C-T. GRCh37 (hg19) VCF-style: chr10-27389171-C-T.
Other names: c.85G>A, p.Glu29Lys (NM_001256053.2); short protein forms E29K.
Identifiers: ClinVar variation 2887763 (VCV002887763.5), dbSNP rs1554799874, ClinGen allele CA5449076.

ClinVar aggregate classification (germline): Uncertain significance. Review status: criteria provided, multiple submitters, no conflicts (2 of 4 stars). 3 submissions from 3 submitters: Uncertain significance (3). Last evaluated 2024-11-26.

Conditions:
Inborn genetic diseases. Identifiers: MedGen C0950123, MeSH D030342.

Allele frequency attached by ClinVar (database versions not stated): gnomAD exomes below 0.00001; TOPMed below 0.00001; ExAC 0.00001; gnomAD 0.00001.
gnomAD v4.1: 4 of 1,611,572 alleles (0.00025%); highest among the groups gnomAD compares: Admixed American, 0.0017%; no homozygotes.

Submissions (3):

Ambry Genetics
Classification: Uncertain significance for Inborn genetic diseases. Last evaluated: 2024-11-26. Review status: criteria provided, single submitter. Criteria: Ambry Variant Classification Scheme 2023. Collection method: clinical testing. Allele origin: germline.
Comment: The p.E29K variant (also known as c.85G>A), located in coding exon 1 of the ANKRD26 gene, results from a G to A substitution at nucleotide position 85. The glutamic acid at codon 29 is replaced by lysine, an amino acid with similar properties. This amino acid position is conserved. In addition, this alteration is predicted to be tolerated by in silico analysis. Based on the available evidence, the clinical significance of this variant remains unclear.

GeneDx
Classification: Uncertain significance. Last evaluated: 2024-09-12. Review status: criteria provided, single submitter. Criteria: GeneDx Variant Classification Process June 2021. Collection method: clinical testing. Allele origin: germline. Affected: yes.
Comment: Not observed at significant frequency in large population cohorts (gnomAD); In silico analysis supports that this missense variant does not alter protein structure/function; Has not been previously published as pathogenic or benign to our knowledge

Labcorp Genetics (formerly Invitae), Labcorp
Classification: Uncertain significance. Last evaluated: 2023-12-06. Review status: criteria provided, single submitter. Criteria: Invitae Variant Classification Sherloc (09022015). Collection method: clinical testing. Allele origin: germline.
Comment: This sequence change replaces glutamic acid, which is acidic and polar, with lysine, which is basic and polar, at codon 29 of the ANKRD26 protein (p.Glu29Lys). The frequency data for this variant in the population databases is considered unreliable, as metrics indicate poor data quality at this position in the gnomAD database. This variant has not been reported in the literature in individuals affected with ANKRD26-related conditions. An algorithm developed to predict the effect of missense changes on protein structure and function (PolyPhen-2) suggests that this variant is likely to be tolerated. In summary, the available evidence is currently insufficient to determine the role of this variant in disease. Therefore, it has been classified as a Variant of Uncertain Significance.